The following is an entry in ClinVar:

NM_015346.4(ZFYVE26):c.2339G>A (p.Arg780Gln)

Gene: ZFYVE26 (zinc finger FYVE-type containing 26; minus strand). Cytogenetic location: 14q24.1.
Variant type: single nucleotide variant.
Coding change: c.2339G>A on transcript NM_015346.4 (MANE Select); coding-DNA position 2339, G replaced by A.
Protein change: p.Arg780Gln; replaces arginine 780 with glutamine.
Molecular consequence: missense variant.
Genome position (GRCh38, 1-based): chr14:67,794,233, C>T on the plus strand (G>A on the coding strand, the complement: ZFYVE26 is on the minus strand). VCF-style: chr14-67794233-C-T. GRCh37 (hg19) VCF-style: chr14-68260950-C-T.
Other names: p.Arg780Gln; short protein forms R780Q.
Identifiers: ClinVar variation 1806079 (VCV001806079.11), dbSNP rs142041405, ClinGen allele CA7240311.
Genomic context (GRCh38, chr14:67,794,233, plus strand): 5'-GACGTACTTGTGCTCAGCTCACTACTTGTACTTTCCAGGGATGGGTTTGAACCTCTGTCT[C>T]GGCCATCTACAGGTATTGGGAAGAAGAGAGAAAGTCAATTATCAGCTCCTTATAGAGTAG-3'
Protein context (NP_056161.2, residues 770-790): RRTRRSQADG[Arg780Gln]DRGSNPSLES

ClinVar aggregate classification (germline): Uncertain significance. Review status: criteria provided, multiple submitters, no conflicts (2 of 4 stars). 7 submissions from 7 submitters: Uncertain significance (7). Last evaluated 2026-05-15.

Conditions:
Spastic paraplegia. Identifiers: MedGen C0037772, HP:0001258.
Inborn genetic diseases. Identifiers: MedGen C0950123, MeSH D030342.
Hereditary spastic paraplegia 15 (SPG15). Also called: SPASTIC PARAPLEGIA 15, AUTOSOMAL RECESSIVE; KJELLIN SYNDROME; SPASTIC PARAPLEGIA AND RETINAL DEGENERATION. Identifiers: Orphanet 100996, MedGen C1849128, MONDO:0010044, OMIM 270700.

Allele frequency attached by ClinVar (database versions not stated): 1000 Genomes Project 30x 0.00016; TOPMed 0.00019; 1000 Genomes Project 0.00020; ESP Exome Variant Server 0.00038; ExAC 0.00007; gnomAD 0.00019; gnomAD exomes 0.00003.
gnomAD v4.1: 79 of 1,614,078 alleles (0.0049%); highest among the groups gnomAD compares: African/African-American, 0.051%; no homozygotes.

Submissions (7):

GeneDx
Classification: Uncertain significance. Last evaluated: 2026-05-15. Review status: criteria provided, single submitter. Criteria: GeneDx Variant Classification Process June 2021. Collection method: clinical testing. Allele origin: germline.
Comment: In silico analysis suggests that this missense variant does not alter protein structure/function; Has not been previously published as pathogenic or benign to our knowledge

Ambry Genetics
Classification: Uncertain significance for Inborn genetic diseases. Last evaluated: 2025-11-08. Review status: criteria provided, single submitter. Criteria: Ambry Variant Classification Scheme 2023. Collection method: clinical testing. Allele origin: germline.

Mayo Clinic Laboratories, Mayo Clinic
Classification: Uncertain significance. Last evaluated: 2025-11-01. Review status: criteria provided, single submitter. Criteria: ACMG Guidelines, 2015. Collection method: clinical testing. Allele origin: germline. Observed: 1 variant allele.
Comment: BP4_moderate, PM2_supporting

Athena Diagnostics
Classification: Uncertain significance. Last evaluated: 2022-08-29. Review status: criteria provided, single submitter. Criteria: Athena Diagnostics Criteria. Collection method: clinical testing. Allele origin: unknown.

Labcorp Genetics (formerly Invitae), Labcorp
Classification: Uncertain significance for Spastic paraplegia. Last evaluated: 2022-04-29. Review status: criteria provided, single submitter. Criteria: Invitae Variant Classification Sherloc (09022015). Collection method: clinical testing. Allele origin: germline.
Comment: This sequence change replaces arginine, which is basic and polar, with glutamine, which is neutral and polar, at codon 780 of the ZFYVE26 protein (p.Arg780Gln). This variant is present in population databases (rs142041405, gnomAD 0.04%). This variant has not been reported in the literature in individuals affected with ZFYVE26-related conditions. Algorithms developed to predict the effect of missense changes on protein structure and function output the following: SIFT: "Tolerated"; PolyPhen-2: "Benign"; Align-GVGD: "Class C0". The glutamine amino acid residue is found in multiple mammalian species, which suggests that this missense change does not adversely affect protein function. In summary, the available evidence is currently insufficient to determine the role of this variant in disease. Therefore, it has been classified as a Variant of Uncertain Significance.

Revvity Omics, Revvity
Classification: Uncertain significance for Hereditary spastic paraplegia 15. Last evaluated: 2021-03-25. Review status: criteria provided, single submitter. Criteria: ACMG Guidelines, 2015. Collection method: clinical testing. Allele origin: germline.

Victorian Clinical Genetics Services, Murdoch Childrens Research Institute
Classification: Uncertain significance for Hereditary spastic paraplegia 15. Last evaluated: 2020-10-19. Review status: criteria provided, single submitter. Criteria: ACMG Guidelines, 2015. Collection method: clinical testing. Allele origin: germline. Inheritance: Autosomal recessive inheritance. Affected: yes.
Comment: Based on the classification scheme VCGS_Germline_v1.3.3, this variant is classified as 3C-VUS. Following criteria are met: 0102 - Loss of function is a known mechanism of disease in this gene and is associated with spastic paraplegia 15 (MIM#270700). (I) 0106 - This gene is associated with autosomal recessive disease. (I) 0200 - Variant is predicted to result in a missense amino acid change from arginine to glutamine. (I) 0251 - This variant is heterozygous. (I) 0304 - Variant is present in gnomAD (v3) <0.01 for a recessive condition (30 heterozygotes, 0 homozygotes). (SP) 0503 - Missense variant consistently predicted to be tolerated by multiple in silico tools and not conserved in placental mammals with a minor amino acid change. (SB) 0604 - Variant is not located in an established domain, motif, hotspot or informative constraint region. (I) 0705 - No comparable missense variants have previous evidence for pathogenicity. (I) 0807 - This variant has no previous evidence of pathogenicity. (I) 0905 - No published segregation evidence has been identified for this variant. (I) 1007 - No published functional evidence has been identified for this variant. (I) 1208 - Inheritance information for this variant is not currently available in this individual. (I) Legend: (SP) - Supporting pathogenic, (I) - Information, (SB) - Supporting benign